The following is an entry in ClinVar:

NM_033028.5(BBS4):c.1170C>T (p.Asn390=)

Gene: BBS4 (Bardet-Biedl syndrome 4; plus strand). Cytogenetic location: 15q24.1.
Variant type: single nucleotide variant.
Coding change: c.1170C>T on transcript NM_033028.5 (MANE Select); coding-DNA position 1170, C replaced by T.
Protein change: p.Asn390=; no amino-acid change (asparagine 390 retained).
Molecular consequence: synonymous variant. On other transcripts: non-coding transcript variant (2).
Genome position (GRCh38, 1-based): chr15:72,735,888, C>T. VCF-style: chr15-72735888-C-T. GRCh37 (hg19) VCF-style: chr15-73028229-C-T.
Other names: c.1170C>T (NM_033028.4); c.654C>T, p.Asn218= (NM_001252678.2); c.1101C>T, p.Asn367= (NM_001320665.2).
Identifiers: ClinVar variation 1662619 (VCV001662619.11), dbSNP rs376378002, ClinGen allele CA7646934.

ClinVar aggregate classification (germline): Likely benign. Review status: criteria provided, multiple submitters, no conflicts (2 of 4 stars). 3 submissions from 3 submitters: Likely benign (2). 1 of the submissions does not count toward it. Last evaluated 2026-01-26.

Conditions:
Bardet-Biedl syndrome (BBS). Identifiers: Orphanet 110, MedGen C0752166, MONDO:0015229.
Bardet-Biedl syndrome 4 (BBS4). Identifiers: Orphanet 110, MedGen C2936864, MONDO:0014433, OMIM 615982.
BBS4-related disorder. Also called: BBS4-related condition.

Allele frequency attached by ClinVar (database versions not stated): ExAC 0.00002; TOPMed 0.00003; gnomAD exomes 0.00004; gnomAD 0.00005; ESP Exome Variant Server 0.00015.
gnomAD v4.1: 63 of 1,613,952 alleles (0.0039%); highest among the groups gnomAD compares: African/African-American, 0.0067%; no homozygotes.

Submissions (3):

Labcorp Genetics (formerly Invitae), Labcorp
Classification: Likely benign for Bardet-Biedl syndrome. Last evaluated: 2026-01-26. Review status: criteria provided, single submitter. Criteria: Invitae Variant Classification Sherloc (09022015). Collection method: clinical testing. Allele origin: germline.

Fulgent Genetics
Classification: Likely benign for Bardet-Biedl syndrome 4. Last evaluated: 2021-10-18. Review status: criteria provided, single submitter. Criteria: ACMG Guidelines, 2015. Collection method: clinical testing. Allele origin: unknown.

PreventionGenetics, part of Exact Sciences
Classification: Likely benign for BBS4-related condition. Last evaluated: 2023-02-03. Review status: no assertion criteria provided. Collection method: clinical testing. Allele origin: germline. Not counted in ClinVar's aggregate classification.
Comment: This variant is classified as likely benign based on ACMG/AMP sequence variant interpretation guidelines (Richards et al. 2015 PMID: 25741868, with internal and published modifications).